The following is an entry in ClinVar:

NM_001199753.2(CPT1C):c.1142C>T (p.Ala381Val)

Gene: CPT1C (carnitine palmitoyltransferase 1C; plus strand). Cytogenetic location: 19q13.33.
Variant type: single nucleotide variant.
Coding change: c.1142C>T on transcript NM_001199753.2 (MANE Select); coding-DNA position 1142, C replaced by T.
Protein change: p.Ala381Val; replaces alanine 381 with valine.
Molecular consequence: missense variant. On other transcripts: non-coding transcript variant (1).
Genome position (GRCh38, 1-based): chr19:49,706,086, C>T. VCF-style: chr19-49706086-C-T. GRCh37 (hg19) VCF-style: chr19-50209343-C-T.
Other names: c.1109C>T, p.Ala370Val (NM_001136052.3, NM_001378485.1, NM_001378487.1); c.1142C>T, p.Ala381Val (NM_001199752.3, NM_001378483.1, NM_001378484.1 and 3 more transcripts); c.1208C>T, p.Ala403Val (NM_001378482.1); short protein forms A370V, A381V, A403V.
Identifiers: ClinVar variation 657869 (VCV000657869.8), dbSNP rs1436873820, ClinGen allele CA406903693.

ClinVar aggregate classification (germline): Uncertain significance (1 of 4 stars; one submission).

Conditions:
Hereditary spastic paraplegia 73. Also called: Spastic paraplegia 73, autosomal dominant. Identifiers: Orphanet 444099, MedGen C5568981, MONDO:0014568, OMIM 616282.

Allele frequency attached by ClinVar (database versions not stated): TOPMed below 0.00001; gnomAD 0.00001; gnomAD exomes 0.00001.

Submission:

Labcorp Genetics (formerly Invitae), Labcorp
Classification: Uncertain significance for Hereditary spastic paraplegia 73. Last evaluated: 2023-10-16. Review status: criteria provided, single submitter. Criteria: Invitae Variant Classification Sherloc (09022015). Collection method: clinical testing. Allele origin: germline.
Comment: This sequence change replaces alanine, which is neutral and non-polar, with valine, which is neutral and non-polar, at codon 370 of the CPT1C protein (p.Ala370Val). The frequency data for this variant in the population databases is considered unreliable, as metrics indicate poor data quality at this position in the gnomAD database. This variant has not been reported in the literature in individuals affected with CPT1C-related conditions. ClinVar contains an entry for this variant (Variation ID: 657869). Advanced modeling of protein sequence and biophysical properties (such as structural, functional, and spatial information, amino acid conservation, physicochemical variation, residue mobility, and thermodynamic stability) performed at Invitae indicates that this missense variant is not expected to disrupt CPT1C protein function. In summary, the available evidence is currently insufficient to determine the role of this variant in disease. Therefore, it has been classified as a Variant of Uncertain Significance.